The following is an entry in ClinVar:

NM_001364171.2(ODAD1):c.2037C>T (p.Leu679=)

Gene: ODAD1 (outer dynein arm docking complex subunit 1; minus strand). Cytogenetic location: 19q13.33.
Variant type: single nucleotide variant.
Coding change: c.2037C>T on transcript NM_001364171.2 (MANE Select); coding-DNA position 2037, C replaced by T.
Protein change: p.Leu679=; no amino-acid change (leucine 679 retained).
Molecular consequence: synonymous variant.
Genome position (GRCh38, 1-based): chr19:48,297,063, G>A on the plus strand (C>T on the coding strand, the complement: ODAD1 is on the minus strand). VCF-style: chr19-48297063-G-A. GRCh37 (hg19) VCF-style: chr19-48800320-G-A.
Other names: p.Leu642=; c.1926C>T (NM_144577.3); c.1926C>T, p.Leu642= (NM_144577.4).
Identifiers: ClinVar variation 1682852 (VCV001682852.11), dbSNP rs779297766, ClinGen allele CA9548493.

ClinVar aggregate classification (germline): Likely benign. Review status: criteria provided, multiple submitters, no conflicts (2 of 4 stars). 3 submissions from 3 submitters: Likely benign (3). Last evaluated 2025-12-01.

Conditions:
Primary ciliary dyskinesia. Also called: Ciliary dyskinesia. Identifiers: Orphanet 244, MedGen C0008780, MONDO:0016575, HP:0012265.

Allele frequency attached by ClinVar (database versions not stated): gnomAD exomes 0.00004 and 0.00007; TOPMed 0.00005; gnomAD 0.00006 and 0.00007; ExAC 0.00007.
gnomAD v4.1: 109 of 1,612,920 alleles (0.0068%); highest among the groups gnomAD compares: African/African-American, 0.008%; no homozygotes.

Submissions (3):

Labcorp Genetics (formerly Invitae), Labcorp
Classification: Likely benign for Primary ciliary dyskinesia. Last evaluated: 2025-12-01. Review status: criteria provided, single submitter. Criteria: Invitae Variant Classification Sherloc (09022015). Collection method: clinical testing. Allele origin: germline.

Mayo Clinic Laboratories, Mayo Clinic
Classification: Likely benign. Last evaluated: 2025-09-22. Review status: criteria provided, single submitter. Criteria: ACMG Guidelines, 2015. Collection method: clinical testing. Allele origin: germline. Observed: 1 variant allele.
Comment: BP4, BP7

Ambry Genetics
Classification: Likely benign for Primary ciliary dyskinesia. Last evaluated: 2022-11-10. Review status: criteria provided, single submitter. Criteria: Ambry Variant Classification Scheme 2023. Collection method: clinical testing. Allele origin: germline.